The following is an entry in ClinVar:

ClinVar aggregate classification (germline): Uncertain significance (1 of 4 stars; one submission).

Conditions:
Hereditary cancer-predisposing syndrome. Also called: Neoplastic Syndromes, Hereditary; Tumor predisposition; Hereditary neoplastic syndrome; Hereditary Cancer Syndrome. Identifiers: Orphanet 140162, MedGen C0027672, MeSH D009386, MONDO:0015356.
Cardiovascular phenotype. Identifiers: MedGen CN230736.

Allele frequency attached by ClinVar (database versions not stated): gnomAD exomes below 0.00001.
gnomAD v4.1: 1 of 1,613,962 alleles (0.000062%); highest among the groups gnomAD compares: Non-Finnish European, 0.000085%; no homozygotes.

Submission:

Ambry Genetics
Classification: Uncertain significance for Cardiovascular phenotype; Hereditary cancer-predisposing syndrome. Last evaluated: 2022-12-30. Review status: criteria provided, single submitter. Criteria: Ambry Variant Classification Scheme 2023. Collection method: clinical testing. Allele origin: germline.
Comment: The p.S900T variant (also known as c.2698T>A), located in coding exon 21 of the NF1 gene, results from a T to A substitution at nucleotide position 2698. The serine at codon 900 is replaced by threonine, an amino acid with similar properties. This amino acid position is conserved. In addition, this alteration is predicted to be tolerated by in silico analysis. Since supporting evidence is limited at this time, the clinical significance of this alteration remains unclear.

NM_001042492.3(NF1):c.2698T>A (p.Ser900Thr)

Gene: NF1 (neurofibromin 1; plus strand). Cytogenetic location: 17q11.2.
Variant type: single nucleotide variant.
Coding change: c.2698T>A on transcript NM_001042492.3 (MANE Select); coding-DNA position 2698, T replaced by A.
Protein change: p.Ser900Thr; replaces serine 900 with threonine.
Molecular consequence: missense variant.
Genome position (GRCh38, 1-based): chr17:31,229,313, T>A. VCF-style: chr17-31229313-T-A. GRCh37 (hg19) VCF-style: chr17-29556331-T-A.
Other names: c.2698T>A, p.Ser900Thr (NM_000267.4); short protein forms S900T.
Identifiers: ClinVar variation 2452250 (VCV002452250.2), dbSNP rs2151429468, ClinGen allele CA398985012.